The following is an entry in ClinVar:

ClinVar aggregate classification (germline): Likely pathogenic (1 of 4 stars; one submission).

Submission:

GeneDx
Classification: Likely pathogenic. Last evaluated: 2026-02-19. Review status: criteria provided, single submitter. Criteria: GeneDx Variant Classification Process June 2021. Collection method: clinical testing. Allele origin: germline.
Comment: Canonical splice site variant predicted to result in an in-frame loss of the adjacent exon in a gene for which loss of function is a known mechanism of disease; Not observed at significant frequency in large population cohorts (gnomAD); Has not been previously published as pathogenic or benign to our knowledge

NM_007118.4(TRIO):c.6154-1G>A

Gene: TRIO (trio Rho guanine nucleotide exchange factor; plus strand). Cytogenetic location: 5p15.2.
Variant type: single nucleotide variant.
Coding change: c.6154-1G>A on transcript NM_007118.4 (MANE Select); the canonical splice acceptor site of the intron before coding-DNA position 6154, G replaced by A.
Molecular consequence: splice acceptor variant.
Genome position (GRCh38, 1-based): chr5:14,479,260, G>A. VCF-style: chr5-14479260-G-A. GRCh37 (hg19) VCF-style: chr5-14479369-G-A.
Identifiers: ClinVar variation 4975055 (VCV004975055.1).